The following is an entry in ClinVar:

NM_001323289.2(CDKL5):c.1011dup (p.His338fs)

Gene: CDKL5 (cyclin dependent kinase like 5; plus strand). Cytogenetic location: Xp22.13.
Variant type: Duplication.
Coding change: c.1011dup on transcript NM_001323289.2 (MANE Select); coding-DNA position 1011, one base duplicated (T; older notation c.1011dupT).
Protein change: p.His338fs; shifts the reading frame from histidine 338.
Molecular consequence: frameshift variant.
Genome position (GRCh38, 1-based): chrX:18,603,935, T duplicated. VCF-style (leftmost placement, unchanged base first): chrX-18603934-C-CT. GRCh37 (hg19) VCF-style: chrX-18622054-C-CT.
Other names: c.1011dup, p.His338fs (NM_001037343.2, NM_003159.3); short protein forms H338fs.
Identifiers: ClinVar variation 1451469 (VCV001451469.6), dbSNP rs2147160162, ClinGen allele CA2573158472.
Genomic context (GRCh38, chrX:18,603,934, plus strand): 5'-TGATATACTTCTTTTGTTTTTAACATAGAAACCAAGCCGGCAAAAGTACTGCTTTGCAGT[C>CT]TCACCACAGATCTAACAGCAAGGACATCCAGAACCTGAGTGTAGGCCTGCCCCGGGCTGA-3'

ClinVar aggregate classification (germline): Pathogenic (1 of 4 stars; one submission).

Conditions:
Angelman syndrome-like. Identifiers: MedGen CN128785.
Developmental and epileptic encephalopathy, 2 (DEE2). Also called: INFANTILE SPASM SYNDROME, X-LINKED 2; CDKL5 deficiency disorder. Identifiers: Orphanet 1934, Orphanet 3451, Orphanet 505652, MedGen C4750718, MONDO:0010396, OMIM 300672.

Submission:

Labcorp Genetics (formerly Invitae), Labcorp
Classification: Pathogenic for Developmental and epileptic encephalopathy, 2; Angelman syndrome-like. Last evaluated: 2021-05-07. Review status: criteria provided, single submitter. Criteria: Invitae Variant Classification Sherloc (09022015). Collection method: clinical testing. Allele origin: germline.
Comment: This sequence change creates a premature translational stop signal (p.His338Serfs*5) in the CDKL5 gene. It is expected to result in an absent or disrupted protein product. Loss-of-function variants in CDKL5 are known to be pathogenic (PMID: 22872100). This variant is not present in population databases (ExAC no frequency). This variant has not been reported in the literature in individuals with CDKL5-related conditions. For these reasons, this variant has been classified as Pathogenic.

Literature cited by the submitters: PubMed 22872100.